The following is an entry in ClinVar:

NM_000057.4(BLM):c.4124G>A (p.Ser1375Asn)

Gene: BLM (BLM RecQ like helicase; plus strand). Cytogenetic location: 15q26.1.
Variant type: single nucleotide variant.
Coding change: c.4124G>A on transcript NM_000057.4 (MANE Select); coding-DNA position 4124, G replaced by A.
Protein change: p.Ser1375Asn; replaces serine 1375 with asparagine.
Molecular consequence: missense variant.
Genome position (GRCh38, 1-based): chr15:90,815,149, G>A. VCF-style: chr15-90815149-G-A. GRCh37 (hg19) VCF-style: chr15-91358379-G-A.
Other names: c.4124G>A, p.Ser1375Asn (NM_001287246.2); c.3731G>A, p.Ser1244Asn (NM_001287247.2); c.2999G>A, p.Ser1000Asn (NM_001287248.2); c.4124G>A (NM_000057.2); short protein forms S1000N, S1244N, S1375N.
Identifiers: ClinVar variation 1013634 (VCV001013634.15), dbSNP rs139115275, ClinGen allele CA7739203.

ClinVar aggregate classification (germline): Conflicting classifications of pathogenicity. Review status: criteria provided, conflicting classifications (1 of 4 stars). 4 submissions from 4 submitters: Uncertain significance (2); Likely benign (1). 1 of the submissions does not count toward it. Last evaluated 2024-12-28.

Conditions:
Hereditary cancer-predisposing syndrome. Also called: Hereditary Cancer Syndrome; Tumor predisposition; Neoplastic Syndromes, Hereditary; Hereditary neoplastic syndrome. Identifiers: Orphanet 140162, MedGen C0027672, MeSH D009386, MONDO:0015356.
Bloom syndrome (BLM). Also called: Bloom-Torre-Machacek syndrome. Identifiers: Orphanet 125, MedGen C0005859, MONDO:0008876, OMIM 210900.

Allele frequency attached by ClinVar (database versions not stated): gnomAD exomes below 0.00001; TOPMed below 0.00001; ExAC 0.00001; gnomAD 0.00001; ESP Exome Variant Server 0.00008.
gnomAD v4.1: 1 of 1,614,040 alleles (0.000062%); highest among the groups gnomAD compares: African/African-American, 0.0013%; no homozygotes.

Submissions (4):

Labcorp Genetics (formerly Invitae), Labcorp
Classification: Uncertain significance for Bloom syndrome. Last evaluated: 2024-12-28. Review status: criteria provided, single submitter. Criteria: Invitae Variant Classification Sherloc (09022015). Collection method: clinical testing. Allele origin: germline.
Comment: This sequence change replaces serine, which is neutral and polar, with asparagine, which is neutral and polar, at codon 1375 of the BLM protein (p.Ser1375Asn). The frequency data for this variant in the population databases is considered unreliable, as metrics indicate poor data quality at this position in the gnomAD database. This variant has not been reported in the literature in individuals affected with BLM-related conditions. ClinVar contains an entry for this variant (Variation ID: 1013634). An algorithm developed to predict the effect of missense changes on protein structure and function outputs the following: PolyPhen-2: "Benign". The asparagine amino acid residue is found in multiple mammalian species, which suggests that this missense change does not adversely affect protein function. In summary, the available evidence is currently insufficient to determine the role of this variant in disease. Therefore, it has been classified as a Variant of Uncertain Significance.

GeneDx
Classification: Uncertain significance. Last evaluated: 2022-06-15. Review status: criteria provided, single submitter. Criteria: GeneDx Variant Classification Process June 2021. Collection method: clinical testing. Allele origin: germline. Affected: yes.
Comment: Not observed at significant frequency in large population cohorts (gnomAD); In silico analysis supports that this missense variant does not alter protein structure/function; Has not been previously published as pathogenic or benign to our knowledge

Ambry Genetics
Classification: Likely benign for Hereditary cancer-predisposing syndrome. Last evaluated: 2021-08-19. Review status: criteria provided, single submitter. Criteria: Ambry Variant Classification Scheme 2023. Collection method: clinical testing. Allele origin: germline.

Natera, Inc.
Classification: Uncertain significance for Bloom syndrome. Last evaluated: 2018-05-27. Review status: no assertion criteria provided. Collection method: clinical testing. Allele origin: germline. Not counted in ClinVar's aggregate classification.